The following is an entry in ClinVar:

NM_145038.5(DRC1):c.1247C>G (p.Ala416Gly)

Gene: DRC1 (dynein regulatory complex subunit 1; plus strand). Cytogenetic location: 2p23.3.
Variant type: single nucleotide variant.
Coding change: c.1247C>G on transcript NM_145038.5 (MANE Select); coding-DNA position 1247, C replaced by G.
Protein change: p.Ala416Gly; replaces alanine 416 with glycine.
Molecular consequence: missense variant.
Genome position (GRCh38, 1-based): chr2:26,444,799, C>G. VCF-style: chr2-26444799-C-G. GRCh37 (hg19) VCF-style: chr2-26667667-C-G.
Other names: c.1247C>G (NM_145038.2); short protein forms A416G.
Identifiers: ClinVar variation 657775 (VCV000657775.8), dbSNP rs202052258, ClinGen allele CA1562178.

ClinVar aggregate classification (germline): Uncertain significance. Review status: criteria provided, multiple submitters, no conflicts (2 of 4 stars). 3 submissions from 3 submitters: Uncertain significance (3). Last evaluated 2024-08-26.

Conditions:
Primary ciliary dyskinesia. Also called: Ciliary dyskinesia. Identifiers: Orphanet 244, MedGen C0008780, MONDO:0016575, HP:0012265.
Spermatogenic failure 80 (SPGF80). Identifiers: MedGen C5774301, MONDO:0859364, OMIM 620222.
Primary ciliary dyskinesia 21. Also called: CILIARY DYSKINESIA, PRIMARY, 21, WITHOUT SITUS INVERSUS. Identifiers: Orphanet 244, MedGen C3809087, MONDO:0014123, OMIM 615294.
Inborn genetic diseases. Identifiers: MedGen C0950123, MeSH D030342.

Allele frequency attached by ClinVar (database versions not stated): gnomAD 0.00022; TOPMed 0.00022; 1000 Genomes Project 0.00060; 1000 Genomes Project 30x 0.00062.
gnomAD v4.1: 109 of 1,614,148 alleles (0.0068%); highest among the groups gnomAD compares: African/African-American, 0.079%; 1 homozygote.

Submissions (3):

Ambry Genetics
Classification: Uncertain significance for Inborn genetic diseases. Last evaluated: 2024-08-26. Review status: criteria provided, single submitter. Criteria: Ambry Variant Classification Scheme 2023. Collection method: clinical testing. Allele origin: germline.

Fulgent Genetics
Classification: Uncertain significance for Primary ciliary dyskinesia 21; Spermatogenic failure 80. Last evaluated: 2024-01-30. Review status: criteria provided, single submitter. Criteria: ACMG Guidelines, 2015. Collection method: clinical testing. Allele origin: germline.

Labcorp Genetics (formerly Invitae), Labcorp
Classification: Uncertain significance for Primary ciliary dyskinesia. Last evaluated: 2021-08-31. Review status: criteria provided, single submitter. Criteria: Invitae Variant Classification Sherloc (09022015). Collection method: clinical testing. Allele origin: germline.
Comment: This sequence change replaces alanine with glycine at codon 416 of the DRC1 protein (p.Ala416Gly). The alanine residue is highly conserved and there is a small physicochemical difference between alanine and glycine. This variant is present in population databases (rs202052258, ExAC 0.05%). This variant has not been reported in the literature in individuals affected with DRC1-related conditions. ClinVar contains an entry for this variant (Variation ID: 657775). Algorithms developed to predict the effect of missense changes on protein structure and function are either unavailable or do not agree on the potential impact of this missense change (SIFT: "Deleterious"; PolyPhen-2: "Benign"; Align-GVGD: "Class C0"). In summary, the available evidence is currently insufficient to determine the role of this variant in disease. Therefore, it has been classified as a Variant of Uncertain Significance.